The following is an entry in ClinVar:

NM_019844.4(SLCO1B3):c.360-3C>T

Genes: SLCO1B3 (solute carrier organic anion transporter family member 1B3; plus strand), SLCO1B3-SLCO1B7 (SLCO1B3-SLCO1B7 readthrough; plus strand). Cytogenetic location: 12p12.2.
Variant type: single nucleotide variant.
Coding change: c.360-3C>T on transcript NM_019844.4 (MANE Select); 3 bases into the intron before coding-DNA position 360, C replaced by T.
Molecular consequence: intron variant.
Genome position (GRCh38, 1-based): chr12:20,861,014, C>T. VCF-style: chr12-20861014-C-T. GRCh37 (hg19) VCF-style: chr12-21013948-C-T.
Other names: c.276-3C>T (NM_001349920.2).
Identifiers: ClinVar variation 261185 (VCV000261185.26), dbSNP rs3764009, ClinGen allele CA6475160.

ClinVar aggregate classification (germline): Benign. Review status: criteria provided, multiple submitters, no conflicts (2 of 4 stars). 6 submissions from 6 submitters: Benign (6). Last evaluated 2025-07-31.

Conditions:
Rotor syndrome (HBLRR). Also called: HYPERBILIRUBINEMIA, ROTOR TYPE, DIGENIC; HYPERBILIRUBINEMIA, ROTOR TYPE. Identifiers: Orphanet 3111, MedGen C0220991, MONDO:0009379, OMIM 237450.

Allele frequency attached by ClinVar (database versions not stated): 1000 Genomes Project 0.70228; gnomAD 0.71397 and 0.72295; TOPMed 0.71692; ESP Exome Variant Server 0.72224; gnomAD exomes 0.80294 and 0.83986; ExAC 0.80656.
gnomAD v4.1: 1,285,807 of 1,552,940 alleles (83%); highest among the groups gnomAD compares: South Asian, 91%; 540,393 homozygotes.

Submissions (6):

ARUP Laboratories, Molecular Genetics and Genomics, ARUP Laboratories
Classification: Benign for Rotor syndrome. Last evaluated: 2025-07-31. Review status: criteria provided, single submitter. Criteria: ARUP Molecular Germline Variant Investigation Process 2024. Collection method: clinical testing. Allele origin: germline.

Genome-Nilou Lab
Classification: Benign for Rotor syndrome. Last evaluated: 2021-07-15. Review status: criteria provided, single submitter. Criteria: ACMG Guidelines, 2015. Collection method: clinical testing. Allele origin: germline. Affected: no.

GeneDx
Classification: Benign. Last evaluated: 2018-11-12. Review status: criteria provided, single submitter. Criteria: GeneDx Variant Classification Process June 2021. Collection method: clinical testing. Allele origin: germline. Affected: yes.

Illumina Laboratory Services, Illumina
Classification: Benign for Rotor syndrome. Last evaluated: 2018-01-12. Review status: criteria provided, single submitter. Criteria: ICSL Variant Classification Criteria 13 December 2019. Collection method: clinical testing. Allele origin: germline.
Comment: This variant was observed in the ICSL laboratory as part of a predisposition screen in an ostensibly healthy population. It had not been previously curated by ICSL or reported in the Human Gene Mutation Database (HGMD: prior to June 1st, 2018), and was therefore a candidate for classification through an automated scoring system. Utilizing variant allele frequency, disease prevalence and penetrance estimates, and inheritance mode, an automated score was calculated to assess if this variant is too frequent to cause the disease. Based on the score and internal cut-off values, a variant classified as benign is not then subjected to further curation. The score for this variant resulted in a classification of benign for this disease.

Breakthrough Genomics
Classification: Benign. Review status: criteria provided, single submitter. Criteria: ACMG Guidelines, 2015. Collection method: not provided. Allele origin: germline. Inheritance: Autosomal recessive inheritance. Affected: yes.

PreventionGenetics, part of Exact Sciences
Classification: Benign. Review status: criteria provided, single submitter. Criteria: ACMG Guidelines, 2015. Collection method: clinical testing. Allele origin: germline.